The following is an entry in ClinVar:

NM_024675.4(PALB2):c.2783T>G (p.Val928Gly)

Gene: PALB2 (partner and localizer of BRCA2; minus strand). Cytogenetic location: 16p12.2.
Variant type: single nucleotide variant.
Coding change: c.2783T>G on transcript NM_024675.4 (MANE Select); coding-DNA position 2783, T replaced by G.
Protein change: p.Val928Gly; replaces valine 928 with glycine.
Molecular consequence: missense variant.
Genome position (GRCh38, 1-based): chr16:23,624,060, A>C on the plus strand (T>G on the coding strand, the complement: PALB2 is on the minus strand). VCF-style: chr16-23624060-A-C. GRCh37 (hg19) VCF-style: chr16-23635381-A-C.
Other names: short protein forms V928G.
Identifiers: ClinVar variation 821806 (VCV000821806.4), dbSNP rs1597082810, ClinGen allele CA395145090.

ClinVar aggregate classification (germline): Uncertain significance (1 of 4 stars; one submission).

Conditions:
Hereditary cancer-predisposing syndrome. Also called: Tumor predisposition; Hereditary Cancer Syndrome; Neoplastic Syndromes, Hereditary; Hereditary neoplastic syndrome. Identifiers: Orphanet 140162, MedGen C0027672, MeSH D009386, MONDO:0015356.

Submission:

Ambry Genetics
Classification: Uncertain significance for Hereditary cancer-predisposing syndrome. Last evaluated: 2019-06-14. Review status: criteria provided, single submitter. Criteria: Ambry Variant Classification Scheme 2023. Collection method: clinical testing. Allele origin: germline.
Comment: The p.V928G variant (also known as c.2783T>G), located in coding exon 8 of the PALB2 gene, results from a T to G substitution at nucleotide position 2783. The valine at codon 928 is replaced by glycine, an amino acid with dissimilar properties. This amino acid position is not well conserved in available vertebrate species. In addition, this alteration is predicted to be tolerated by BayesDel in silico analysis. Since supporting evidence is limited at this time, the clinical significance of this alteration remains unclear.